The following is an entry in ClinVar:

NM_153766.3(KCNJ1):c.730A>G (p.Ile244Val)

Gene: KCNJ1 (potassium inwardly rectifying channel subfamily J member 1; minus strand). Cytogenetic location: 11q24.3.
Variant type: single nucleotide variant.
Coding change: c.730A>G on transcript NM_153766.3 (MANE Select); coding-DNA position 730, A replaced by G.
Protein change: p.Ile244Val; replaces isoleucine 244 with valine.
Molecular consequence: missense variant.
Genome position (GRCh38, 1-based): chr11:128,839,514, T>C on the plus strand (A>G on the coding strand, the complement: KCNJ1 is on the minus strand). VCF-style: chr11-128839514-T-C. GRCh37 (hg19) VCF-style: chr11-128709409-T-C.
Other names: c.787A>G, p.Ile263Val (NM_000220.6); c.730A>G, p.Ile244Val (NM_153764.3, NM_153767.4); c.781A>G, p.Ile261Val (NM_153765.3); short protein forms I244V, I261V, I263V.
Identifiers: ClinVar variation 4763126 (VCV004763126.1).

ClinVar aggregate classification (germline): Uncertain significance (1 of 4 stars; one submission).

gnomAD v4.1: 7 of 1,614,094 alleles (0.00043%); highest among the groups gnomAD compares: African/African-American, 0.0013%; no homozygotes.

Submission:

Labcorp Genetics (formerly Invitae), Labcorp
Classification: Uncertain significance. Last evaluated: 2025-07-22. Review status: criteria provided, single submitter. Criteria: Invitae Variant Classification Sherloc (09022015). Collection method: clinical testing. Allele origin: germline.
Comment: This sequence change replaces isoleucine, which is neutral and non-polar, with valine, which is neutral and non-polar, at codon 263 of the KCNJ1 protein (p.Ile263Val). This variant is present in population databases (rs765371025, gnomAD 0.008%). This variant has not been reported in the literature in individuals affected with KCNJ1-related conditions. An algorithm developed to predict the effect of missense changes on protein structure and function (PolyPhen-2) suggests that this variant is likely to be tolerated. In summary, the available evidence is currently insufficient to determine the role of this variant in disease. Therefore, it has been classified as a Variant of Uncertain Significance.